The following is an entry in ClinVar:

ClinVar aggregate classification (germline): Likely benign. Review status: criteria provided, multiple submitters, no conflicts (2 of 4 stars). 3 submissions from 3 submitters: Likely benign (3). Last evaluated 2025-09-30.

Conditions:
TRRAP-related disorder. Also called: TRRAP-related condition.
Inborn genetic diseases. Identifiers: MedGen C0950123, MeSH D030342.

Allele frequency attached by ClinVar (database versions not stated): gnomAD 0.00006; TOPMed 0.00006; ExAC 0.00012.
gnomAD v4.1: 111 of 1,614,022 alleles (0.0069%); highest among the groups gnomAD compares: Non-Finnish European, 0.0069%; no homozygotes.

Submissions (3):

Labcorp Genetics (formerly Invitae), Labcorp
Classification: Likely benign. Last evaluated: 2025-09-30. Review status: criteria provided, single submitter. Criteria: Invitae Variant Classification Sherloc (09022015). Collection method: clinical testing. Allele origin: germline.

PreventionGenetics, part of Exact Sciences
Classification: Likely benign for TRRAP-related condition. Last evaluated: 2025-09-09. Review status: criteria provided, single submitter. Criteria: ACMG Guidelines, 2015. Collection method: clinical testing. Allele origin: germline.
Comment: This variant is classified as likely benign based on ACMG/AMP sequence variant interpretation guidelines (Richards et al. 2015 PMID: 25741868, with internal and published modifications).

Ambry Genetics
Classification: Likely benign for Inborn genetic diseases. Last evaluated: 2021-10-05. Review status: criteria provided, single submitter. Criteria: Ambry Variant Classification Scheme 2023. Collection method: clinical testing. Allele origin: germline.

NM_001375524.1(TRRAP):c.6391C>T (p.Arg2131Cys)

Gene: TRRAP (transformation/transcription domain associated protein; plus strand). Cytogenetic location: 7q22.1.
Variant type: single nucleotide variant.
Coding change: c.6391C>T on transcript NM_001375524.1 (MANE Select); coding-DNA position 6391, C replaced by T.
Protein change: p.Arg2131Cys; replaces arginine 2131 with cysteine.
Molecular consequence: missense variant.
Genome position (GRCh38, 1-based): chr7:98,959,392, C>T. VCF-style: chr7-98959392-C-T. GRCh37 (hg19) VCF-style: chr7-98557015-C-T.
Other names: c.6316C>T (NM_003496.3); c.6370C>T (NM_001244580.1); c.6370C>T, p.Arg2124Cys (NM_001244580.2); c.6316C>T, p.Arg2106Cys (NM_003496.4); short protein forms R2131C, R2106C, R2124C.
Identifiers: ClinVar variation 2749757 (VCV002749757.5), dbSNP rs775335965, ClinGen allele CA4360851.